The following is an entry in ClinVar:

ClinVar aggregate classification (germline): Conflicting classifications of pathogenicity. Review status: criteria provided, conflicting classifications (1 of 4 stars). 15 submissions from 14 submitters: Uncertain significance (4); Benign (6); Likely benign (3). 2 of the submissions do not count toward it. Last evaluated 2026-05-01.

Conditions:
CDH23-related disorder. Also called: CDH23-related condition; CDH23-related disorders.
Childhood onset hearing loss.
Usher syndrome type 1 (USH1). Also called: RETINITIS PIGMENTOSA AND CONGENITAL DEAFNESS. Identifiers: Orphanet 231169, Orphanet 886, MedGen C1568247, MONDO:0010168, OMIM 276900.
Autosomal recessive nonsyndromic hearing loss 12. Also called: DEAFNESS, AUTOSOMAL RECESSIVE 12. Identifiers: Orphanet 90636, MedGen C1832394, MONDO:0011067, OMIM 601386.
Usher syndrome type 1D (USH1D). Also called: USHER SYNDROME, TYPE ID. Identifiers: Orphanet 231169, Orphanet 886, MedGen C1832845, MONDO:0010984, OMIM 601067.

Allele frequency attached by ClinVar (database versions not stated): gnomAD exomes 0.00093; ExAC 0.00151; 1000 Genomes Project 0.00280; ESP Exome Variant Server 0.00328; gnomAD 0.00336 and 0.00358; TOPMed 0.00344; 1000 Genomes Project 30x 0.00359.
gnomAD v4.1: 1,097 of 1,607,446 alleles (0.068%); highest among the groups gnomAD compares: African/African-American, 1.2%; 10 homozygotes.

Submissions (15):

CeGaT Center for Human Genetics Tuebingen
Classification: Likely benign. Last evaluated: 2026-05-01. Review status: criteria provided, single submitter. Criteria: CeGaT Center For Human Genetics Tuebingen Variant Classification Criteria Version 2. Collection method: clinical testing. Allele origin: germline. Affected: yes. Observed: 4 variant alleles.
Comment: CDH23: BS1

Labcorp Genetics (formerly Invitae), Labcorp
Classification: Benign. Last evaluated: 2026-02-01. Review status: criteria provided, single submitter. Criteria: Invitae Variant Classification Sherloc (09022015). Collection method: clinical testing. Allele origin: germline.

Blueprint Genetics
Classification: Likely benign. Last evaluated: 2024-09-23. Review status: criteria provided, single submitter. Criteria: ACMG Guidelines, 2015. Collection method: clinical testing. Allele origin: germline.

Genomic Medicine Center of Excellence, King Faisal Specialist Hospital and Research Centre
Classification: Uncertain significance for Usher syndrome type 1D. Last evaluated: 2024-03-26. Review status: criteria provided, single submitter. Criteria: ACMG Guidelines, 2015. Collection method: clinical testing. Allele origin: germline.

Women's Health and Genetics/Laboratory Corporation of America, LabCorp
Classification: Benign. Last evaluated: 2022-05-17. Review status: criteria provided, single submitter. Criteria: LabCorp Variant Classification Summary - May 2015. Collection method: clinical testing. Allele origin: germline.
Comment: Variant summary: CDH23 c.3074G>A (p.Gly1025Asp) results in a non-conservative amino acid change in the encoded protein sequence. Four of five in-silico tools predict a damaging effect of the variant on protein function. The variant allele was found at a frequency of 0.00093 in 236206 control chromosomes, predominantly at a frequency of 0.012 within the African or African-American subpopulation in the gnomAD database, including 1 homozygotes. The observed variant frequency within African or African-American control individuals in the gnomAD database is approximately 4 fold of the estimated maximal expected allele frequency for a pathogenic variant in CDH23 causing Usher Syndrome phenotype (0.0032), strongly suggesting that the variant is a benign polymorphism found primarily in populations of African or African-American origin. Eight clinical diagnostic laboratories have submitted clinical-significance assessments for this variant to ClinVar after 2014 without evidence for independent evaluation. Multiple laboratories reported the variant with conflicting assessments (benign/likely benign n=6, VUS n=2). Based on the evidence outlined above, the variant was classified as benign.

UAEU Genomics Laboratory, United Arab Emirates University
Classification: Uncertain significance for Autosomal recessive nonsyndromic hearing loss 12. Last evaluated: 2021-12-21. Review status: criteria provided, single submitter. Criteria: ACMG Guidelines, 2015. Collection method: research. Allele origin: germline. Affected: yes. Observed: 1 variant allele.
Comment: The missense variant NM_022124.6(CDH23):c.3074G>A (p.Gly1025Asp) has been reported previously in association with Ushersyndrome 1D in homozygous state (PMID:26969326). The p.Gly1025Asp variant is observed in 164/13,980 (1.1731%) alleles from individuals of gnomAD African background in gnomAD which is higher than expected for the disorder. However the causes of hearing loss in the middle Eastern population is not well characterized and therefore this variant cannot be excluded based on high MAF. There is a moderate physicochemical difference between glycine and aspartic acid. The p.Gly1025Asp missense variant is predicted to be damaging by both SIFT and PolyPhen2. For these reasons, this variant has been classified as Uncertain Significance. In summary the currently available information is insufficient to determine the clinical significance of this variant. Therefore it has been classified as uncertain significance

National Institute on Deafness and Communication Disorders, National Institutes of Health
Classification: Uncertain significance for Childhood onset hearing loss. Last evaluated: 2021-07-08. Review status: criteria provided, single submitter. Criteria: ClinGen HL ACMG Specifications v1. Collection method: research. Allele origin: germline. Inheritance: Autosomal recessive inheritance. Affected: yes. Observed: 1 heterozygote. Segregation with disease not observed.
Comment: PP3 / Modifications from PMID: 30311386 for classification: The genetic causes of hearing loss have not yet been well characterized in the Yoruba population, and the information regarding variant MAF in this population is still limited, so we did not exclude any variant based on their "high" MAF. PP3 criteria was applied even if the REVEL score was below 0.7, if at least two of the pathogenicity prediction algorithms used predicted that the variant was damaging or likely damaging.

was found associated with NM_022124.6:c.2560C>T

Genome-Nilou Lab
Classification: Likely benign for Usher syndrome type 1D. Last evaluated: 2021-05-18. Review status: criteria provided, single submitter. Criteria: ACMG Guidelines, 2015. Collection method: clinical testing. Allele origin: germline. Affected: no.

GeneDx
Classification: Benign. Last evaluated: 2019-11-13. Review status: criteria provided, single submitter. Criteria: GeneDx Variant Classification Process June 2021. Collection method: clinical testing. Allele origin: germline. Affected: yes.
Comment: This variant is associated with the following publications: (PMID: 28847902, 26969326)

Illumina Laboratory Services, Illumina
Classification: Benign for Usher syndrome type 1D. Last evaluated: 2017-04-27. Review status: criteria provided, single submitter. Criteria: ICSL Variant Classification Criteria 13 December 2019. Collection method: clinical testing. Allele origin: germline.
Comment: This variant was observed as part of a predisposition screen in an ostensibly healthy population. A literature search was performed for the gene, cDNA change, and amino acid change (where applicable). Publications were found based on this search. The evidence from the literature, in combination with allele frequency data from public databases where available, was sufficient to rule this variant out of causing disease. Therefore, this variant is classified as benign.

Illumina Laboratory Services, Illumina
Classification: Uncertain significance for Autosomal recessive nonsyndromic hearing loss 12. Last evaluated: 2017-04-27. Review status: criteria provided, single submitter. Criteria: ICSL Variant Classification Criteria 13 December 2019. Collection method: clinical testing. Allele origin: germline.

Eurofins Ntd Llc (ga)
Classification: Benign. Last evaluated: 2015-04-21. Review status: criteria provided, single submitter. Criteria: EGL Classification Definitions 2015. Collection method: clinical testing. Allele origin: germline. Observed: 1 variant allele, 1 heterozygote.

Laboratory for Molecular Medicine, Mass General Brigham Personalized Medicine
Classification: Benign. Last evaluated: 2014-07-01. Review status: criteria provided, single submitter. Criteria: LMM Criteria. Collection method: clinical testing. Allele origin: germline. Observed: 7 variant alleles.
Comment: Gly1025Asp in Exon 26A of CDH23: This variant is not expected to have clinical s ignificance because it has been identified in 1.0% (42/4324) of African American chromosomes from a broad population by the NHLBI Exome Sequencing Project (dbSNP rs143179070).

PreventionGenetics, part of Exact Sciences
Classification: Benign for CDH23-related condition. Last evaluated: 2020-03-02. Review status: no assertion criteria provided. Collection method: clinical testing. Allele origin: germline. Not counted in ClinVar's aggregate classification.
Comment: This variant is classified as benign based on ACMG/AMP sequence variant interpretation guidelines (Richards et al. 2015 PMID: 25741868, with internal and published modifications).

Natera, Inc.
Classification: Benign for Usher syndrome type 1. Last evaluated: 2020-01-27. Review status: no assertion criteria provided. Collection method: clinical testing. Allele origin: germline. Not counted in ClinVar's aggregate classification.

Literature cited by the submitters: PubMed 26969326 (cited by UAEU Genomics Laboratory, United Arab Emirates University and Illumina Laboratory Services, Illumina).

NM_022124.6(CDH23):c.3074G>A (p.Gly1025Asp)

Gene: CDH23 (cadherin related 23; plus strand). Cytogenetic location: 10q22.1.
Variant type: single nucleotide variant.
Coding change: c.3074G>A on transcript NM_022124.6 (MANE Select); coding-DNA position 3074, G replaced by A.
Protein change: p.Gly1025Asp; replaces glycine 1025 with aspartic acid.
Molecular consequence: missense variant.
Genome position (GRCh38, 1-based): chr10:71,707,017, G>A. VCF-style: chr10-71707017-G-A. GRCh37 (hg19) VCF-style: chr10-73466774-G-A.
Other names: c.3074G>A, p.Gly1025Asp (NM_001171930.2, NM_001171931.2); short protein forms G1025D.
Identifiers: ClinVar variation 45908 (VCV000045908.57), dbSNP rs143179070, ClinGen allele CA137352.